The following is an entry in ClinVar:

ClinVar aggregate classification (germline): Uncertain significance (1 of 4 stars; one submission).

gnomAD v4.1: 4 of 1,613,974 alleles (0.00025%); highest among the groups gnomAD compares: Middle Eastern, 0.017%; no homozygotes.

Submission:

Ambry Genetics
Classification: Uncertain significance. Last evaluated: 2025-06-13. Review status: criteria provided, single submitter. Criteria: Ambry Variant Classification Scheme 2023. Collection method: clinical testing. Allele origin: germline.
Comment: The p.M804T variant (also known as c.2411T>C), located in coding exon 1 of the TET2 gene, results from a T to C substitution at nucleotide position 2411. The methionine at codon 804 is replaced by threonine, an amino acid with similar properties. This amino acid position is conserved. In addition, this alteration is predicted to be tolerated by in silico analysis. Based on the available evidence, the clinical significance of this variant remains unclear.

NM_001127208.3(TET2):c.2411T>C (p.Met804Thr)

Genes: TET2 (tet methylcytosine dioxygenase 2; plus strand), TET2-AS1 (TET2 antisense RNA 1; minus strand). Cytogenetic location: 4q24.
Variant type: single nucleotide variant.
Coding change: c.2411T>C on transcript NM_001127208.3 (MANE Select); coding-DNA position 2411, T replaced by C.
Protein change: p.Met804Thr; replaces methionine 804 with threonine.
Molecular consequence: missense variant.
Genome position (GRCh38, 1-based): chr4:105,236,353, T>C. VCF-style: chr4-105236353-T-C. GRCh37 (hg19) VCF-style: chr4-106157510-T-C.
Other names: c.2411T>C, p.Met804Thr (NM_017628.4); short protein forms M804T.
Identifiers: ClinVar variation 3967713 (VCV003967713.1).
Genomic context (GRCh38, chr4:105,236,353, plus strand): 5'-GTTTTCATGGTGAAAATCAGTATTCAAAATCAAGCGAGTTCGAGACTCATAATGTCCAAA[T>C]GGGACTGGAGGAAGTACAGAATATAAATCGTAGAAATTCCCCTTATAGTCAGACCATGAA-3'
Protein context (NP_001120680.1, residues 794-814): SSEFETHNVQ[Met804Thr]GLEEVQNINR